The following is an entry in ClinVar:

ClinVar aggregate classification (germline): Uncertain significance (1 of 4 stars; one submission).

Conditions:
Fibrous dysplasia of jaw (CRBM). Also called: Cherubism. Identifiers: Orphanet 184, MedGen C0008029, MONDO:0007315, OMIM 118400.

Allele frequency attached by ClinVar (database versions not stated): gnomAD 0.00002; TOPMed 0.00004; gnomAD exomes below 0.00001 and 0.00001.
gnomAD v4.1: 8 of 1,590,508 alleles (0.0005%); highest among the groups gnomAD compares: African/African-American, 0.0013%; no homozygotes.

Submission:

Labcorp Genetics (formerly Invitae), Labcorp
Classification: Uncertain significance for Fibrous dysplasia of jaw. Last evaluated: 2023-06-10. Review status: criteria provided, single submitter. Criteria: Invitae Variant Classification Sherloc (09022015). Collection method: clinical testing. Allele origin: germline.
Comment: In summary, the available evidence is currently insufficient to determine the role of this variant in disease. Therefore, it has been classified as a Variant of Uncertain Significance. This variant has not been reported in the literature in individuals affected with SH3BP2-related conditions. Advanced modeling of protein sequence and biophysical properties (such as structural, functional, and spatial information, amino acid conservation, physicochemical variation, residue mobility, and thermodynamic stability) performed at Invitae indicates that this missense variant is not expected to disrupt SH3BP2 protein function. ClinVar contains an entry for this variant (Variation ID: 1055684). This variant is present in population databases (no rsID available, gnomAD 0.003%). This sequence change replaces aspartic acid, which is acidic and polar, with asparagine, which is neutral and polar, at codon 443 of the SH3BP2 protein (p.Asp443Asn).

NM_001122681.2(SH3BP2):c.1327G>A (p.Asp443Asn)

Gene: SH3BP2 (SH3 domain binding protein 2; plus strand). Cytogenetic location: 4p16.3.
Variant type: single nucleotide variant.
Coding change: c.1327G>A on transcript NM_001122681.2 (MANE Select); coding-DNA position 1327, G replaced by A.
Protein change: p.Asp443Asn; replaces aspartic acid 443 with asparagine.
Molecular consequence: missense variant.
Genome position (GRCh38, 1-based): chr4:2,831,656, G>A. VCF-style: chr4-2831656-G-A. GRCh37 (hg19) VCF-style: chr4-2833383-G-A.
Other names: c.1411G>A, p.Asp471Asn (NM_001145855.2); c.1498G>A, p.Asp500Asn (NM_001145856.2); c.1327G>A, p.Asp443Asn (NM_003023.4); short protein forms D443N, D471N, D500N.
Identifiers: ClinVar variation 1055684 (VCV001055684.9), dbSNP rs907019445, ClinGen allele CA91412428.
Genomic context (GRCh38, chr4:2,831,656, plus strand): 5'-TTCAGGAGCTTCTCCTTTGAAAAGCCCCGGCAACCCTCACAGGCTGACACTGGCGGGGAC[G>A]ACTCGGACGAGGACTATGAGAAGGCAAGGCTGAGCGGCAAGCCTGGGTCCCAGTGGCCAG-3'
Protein context (NP_001116153.1, residues 433-453): QPSQADTGGD[Asp443Asn]SDEDYEKVPL